The following is an entry in ClinVar:

NM_177438.3(DICER1):c.1222A>T (p.Asn408Tyr)

Gene: DICER1 (dicer 1, ribonuclease III; minus strand). Cytogenetic location: 14q32.13.
Variant type: single nucleotide variant.
Coding change: c.1222A>T on transcript NM_177438.3 (MANE Select); coding-DNA position 1222, A replaced by T.
Protein change: p.Asn408Tyr; replaces asparagine 408 with tyrosine.
Molecular consequence: missense variant.
Genome position (GRCh38, 1-based): chr14:95,124,350, T>A on the plus strand (A>T on the coding strand, the complement: DICER1 is on the minus strand). VCF-style: chr14-95124350-T-A. GRCh37 (hg19) VCF-style: chr14-95590687-T-A.
Other names: c.1222A>T, p.Asn408Tyr (NM_001195573.1, NM_001271282.3, NM_001291628.2 and 1 more transcripts); short protein forms N408Y.
Identifiers: ClinVar variation 1355018 (VCV001355018.7), dbSNP rs750625383, ClinGen allele CA390886630.
Genomic context (GRCh38, chr14:95,124,350, plus strand): 5'-CTTTTTCTTCAATTTCTTCATCCTCATCATCATCCTCAGAATCACTCCATGACACATAAT[T>A]ATCCTGATTTCTATTATTATACCACTCAACGCTTTCAAACTGCTGTCGCTCATATGGTTT-3'
Protein context (NP_803187.1, residues 398-418): VEWYNNRNQD[Asn408Tyr]YVSWSDSEDD

ClinVar aggregate classification (germline): Uncertain significance (1 of 4 stars; one submission).

Conditions:
DICER1-related tumor predisposition. Also called: DICER1 syndrome; DICER1-related pleuropulmonary blastoma cancer predisposition syndrome. Identifiers: Orphanet 284343, MedGen C3839822, MONDO:0100216.

gnomAD v4.1: 1 of 1,613,926 alleles (0.000062%); highest among the groups gnomAD compares: Non-Finnish European, 0.000085%; no homozygotes.

Submission:

Labcorp Genetics (formerly Invitae), Labcorp
Classification: Uncertain significance for DICER1-related tumor predisposition. Last evaluated: 2021-12-04. Review status: criteria provided, single submitter. Criteria: Invitae Variant Classification Sherloc (09022015). Collection method: clinical testing. Allele origin: germline.
Comment: In summary, the available evidence is currently insufficient to determine the role of this variant in disease. Therefore, it has been classified as a Variant of Uncertain Significance. Algorithms developed to predict the effect of missense changes on protein structure and function are either unavailable or do not agree on the potential impact of this missense change (SIFT: "Deleterious"; PolyPhen-2: "Probably Damaging"; Align-GVGD: "Class C0"). This variant has not been reported in the literature in individuals affected with DICER1-related conditions. This variant is not present in population databases (gnomAD no frequency). This sequence change replaces asparagine, which is neutral and polar, with tyrosine, which is neutral and polar, at codon 408 of the DICER1 protein (p.Asn408Tyr).